The following is an entry in ClinVar:

NM_001379500.1(COL18A1):c.107-11439G>C

Gene: COL18A1 (collagen type XVIII alpha 1 chain; plus strand). Cytogenetic location: 21q22.3.
Variant type: single nucleotide variant.
Coding change: c.107-11439G>C on transcript NM_001379500.1 (MANE Select); 11439 bases into the intron before coding-DNA position 107, G replaced by C.
Molecular consequence: intron variant. On other transcripts: missense variant (1).
Genome position (GRCh38, 1-based): chr21:45,456,803, G>C. VCF-style: chr21-45456803-G-C. GRCh37 (hg19) VCF-style: chr21-46876717-G-C.
Other names: c.1273G>C, p.Gly425Arg (NM_130444.3); c.646+627G>C (NM_030582.4); c.1273G>C (NM_130444.2); short protein forms G425R.
Identifiers: ClinVar variation 1266524 (VCV001266524.4), dbSNP rs77180157, ClinGen allele CA10065652.

ClinVar aggregate classification (germline): Benign. Review status: criteria provided, multiple submitters, no conflicts (2 of 4 stars). 3 submissions from 3 submitters: Benign (2). 1 of the submissions does not count toward it. Last evaluated 2021-03-09.

Conditions:
COL18A1-related disorder. Also called: COL18A1-related condition; COL18A1-related disorders.

Allele frequency attached by ClinVar (database versions not stated): gnomAD 0.01495 and 0.01743; 1000 Genomes Project 30x 0.04435; 1000 Genomes Project 0.04792.
gnomAD v4.1: 18,572 of 1,538,816 alleles (1.2%); highest among the groups gnomAD compares: East Asian, 13%; 585 homozygotes.

Submissions (3):

GeneDx
Classification: Benign. Last evaluated: 2021-03-09. Review status: criteria provided, single submitter. Criteria: GeneDx Variant Classification Process June 2021. Collection method: clinical testing. Allele origin: germline. Affected: yes.

Breakthrough Genomics
Classification: Benign. Review status: criteria provided, single submitter. Criteria: ACMG Guidelines, 2015. Collection method: not provided. Allele origin: germline. Inheritance: Autosomal recessive inheritance. Affected: yes.

PreventionGenetics, part of Exact Sciences
Classification: Benign for COL18A1-related condition. Last evaluated: 2024-03-26. Review status: no assertion criteria provided. Collection method: clinical testing. Allele origin: germline. Not counted in ClinVar's aggregate classification.
Comment: This variant is classified as benign based on ACMG/AMP sequence variant interpretation guidelines (Richards et al. 2015 PMID: 25741868, with internal and published modifications).